The following is an entry in ClinVar:

NM_001372.4(DNAH9):c.12812G>A (p.Arg4271His)

Gene: DNAH9 (dynein axonemal heavy chain 9; plus strand). Cytogenetic location: 17p12.
Variant type: single nucleotide variant.
Coding change: c.12812G>A on transcript NM_001372.4 (MANE Select); coding-DNA position 12812, G replaced by A.
Protein change: p.Arg4271His; replaces arginine 4271 with histidine.
Molecular consequence: missense variant.
Genome position (GRCh38, 1-based): chr17:11,942,454, G>A. VCF-style: chr17-11942454-G-A. GRCh37 (hg19) VCF-style: chr17-11845771-G-A.
Other names: c.1748G>A, p.Arg583His (NM_004662.2); c.12812G>A (NM_001372.3); short protein forms R583H, R4271H.
Identifiers: ClinVar variation 1522878 (VCV001522878.4), dbSNP rs148946466, ClinGen allele CA8398261.

ClinVar aggregate classification (germline): Uncertain significance. Review status: criteria provided, multiple submitters, no conflicts (2 of 4 stars). 2 submissions from 2 submitters: Uncertain significance (2). Last evaluated 2023-12-08.

Conditions:
Inborn genetic diseases. Identifiers: MedGen C0950123, MeSH D030342.

Allele frequency attached by ClinVar (database versions not stated): gnomAD exomes 0.00002 and 0.00003; ExAC 0.00003; ESP Exome Variant Server 0.00008; gnomAD 0.00009 and 0.00011; TOPMed 0.00012.
gnomAD v4.1: 50 of 1,613,970 alleles (0.0031%); highest among the groups gnomAD compares: African/African-American, 0.045%; no homozygotes.

Submissions (2):

Ambry Genetics
Classification: Uncertain significance for Inborn genetic diseases. Last evaluated: 2023-12-08. Review status: criteria provided, single submitter. Criteria: Ambry Variant Classification Scheme 2023. Collection method: clinical testing. Allele origin: germline.

Labcorp Genetics (formerly Invitae), Labcorp
Classification: Uncertain significance. Last evaluated: 2023-12-01. Review status: criteria provided, single submitter. Criteria: Invitae Variant Classification Sherloc (09022015). Collection method: clinical testing. Allele origin: germline.
Comment: This sequence change replaces arginine, which is basic and polar, with histidine, which is basic and polar, at codon 4271 of the DNAH9 protein (p.Arg4271His). This variant is present in population databases (rs148946466, gnomAD 0.03%). This variant has not been reported in the literature in individuals affected with DNAH9-related conditions. ClinVar contains an entry for this variant (Variation ID: 1522878). Advanced modeling of protein sequence and biophysical properties (such as structural, functional, and spatial information, amino acid conservation, physicochemical variation, residue mobility, and thermodynamic stability) performed at Invitae indicates that this missense variant is not expected to disrupt DNAH9 protein function with a negative predictive value of 80%. In summary, the available evidence is currently insufficient to determine the role of this variant in disease. Therefore, it has been classified as a Variant of Uncertain Significance.